The following is an entry in ClinVar:

NM_014679.5(CEP57):c.868C>T (p.Pro290Ser)

Gene: CEP57 (centrosomal protein 57; plus strand). Cytogenetic location: 11q21.
Variant type: single nucleotide variant.
Coding change: c.868C>T on transcript NM_014679.5 (MANE Select); coding-DNA position 868, C replaced by T.
Protein change: p.Pro290Ser; replaces proline 290 with serine.
Molecular consequence: missense variant. On other transcripts: intron variant (4).
Genome position (GRCh38, 1-based): chr11:95,822,559, C>T. VCF-style: chr11-95822559-C-T. GRCh37 (hg19) VCF-style: chr11-95555723-C-T.
Other names: c.841C>T, p.Pro281Ser (NM_001243776.2); c.787C>T, p.Pro263Ser (NM_001363604.2, NM_001440869.1, NM_001440870.1); c.807+581C>T (NM_001243777.2); c.699+3655C>T (NM_001440874.1); c.690+581C>T (NM_001440876.1); c.582+3655C>T (NM_001440882.1); c.760C>T, p.Pro254Ser (NM_001440871.1); c.751C>T, p.Pro251Ser (NM_001440872.1); and 6 more; short protein forms P230S, P263S, P191S, P215S, P203S, P251S, P254S, P281S.
Identifiers: ClinVar variation 5034377 (VCV005034377.1).

ClinVar aggregate classification (germline): Uncertain significance (1 of 4 stars; one submission).

Conditions:
Inborn genetic diseases. Identifiers: MedGen C0950123, MeSH D030342.

Submission:

Ambry Genetics
Classification: Uncertain significance for Inborn genetic diseases. Last evaluated: 2026-07-24. Review status: criteria provided, single submitter. Criteria: Ambry Variant Classification Scheme 2023. Collection method: clinical testing. Allele origin: germline.
Comment: The p.P290S variant (also known as c.868C>T), located in coding exon 8 of the CEP57 gene, results from a C to T substitution at nucleotide position 868. The proline at codon 290 is replaced by serine, an amino acid with similar properties. This amino acid position is conserved. In addition, this alteration is predicted to be deleterious by in silico analysis. Based on the available evidence, the clinical significance of this variant remains unclear.